The following is an entry in ClinVar:

ClinVar aggregate classification (germline): Uncertain significance (1 of 4 stars; one submission).

Submission:

GeneDx
Classification: Uncertain significance. Last evaluated: 2024-01-28. Review status: criteria provided, single submitter. Criteria: GeneDx Variant Classification Process June 2021. Collection method: clinical testing. Allele origin: germline. Affected: yes.
Comment: Not observed at significant frequency in large population cohorts (gnomAD); In silico analysis supports that this missense variant does not alter protein structure/function; Has not been previously published as pathogenic or benign to our knowledge; Reported using an alternate transcript of the gene

NM_001127222.2(CACNA1A):c.7124C>T (p.Ala2375Val)

Gene: CACNA1A (calcium voltage-gated channel subunit alpha1 A; minus strand). Cytogenetic location: 19p13.13.
Variant type: single nucleotide variant.
Coding change: c.7124C>T on transcript NM_001127222.2 (MANE Select); coding-DNA position 7124, C replaced by T.
Protein change: p.Ala2375Val; replaces alanine 2375 with valine.
Molecular consequence: missense variant. On other transcripts: 3 prime UTR variant (3).
Genome position (GRCh38, 1-based): chr19:13,207,710, G>A on the plus strand (C>T on the coding strand, the complement: CACNA1A is on the minus strand). VCF-style: chr19-13207710-G-A. GRCh37 (hg19) VCF-style: chr19-13318524-G-A.
Other names: c.*336C>T (NM_000068.4, NM_001127221.2, NM_001174080.2); c.7142C>T, p.Ala2381Val (NM_023035.3); short protein forms A2375V, A2381V.
Identifiers: ClinVar variation 3368277 (VCV003368277.1).